The following is an entry in ClinVar:

ClinVar aggregate classification (germline): Uncertain significance. Review status: criteria provided, multiple submitters, no conflicts (2 of 4 stars). 2 submissions from 2 submitters: Uncertain significance (2). Last evaluated 2024-10-04.

Conditions:
Myofibrillar myopathy 6. Identifiers: Orphanet 199340, MedGen C2751831, MONDO:0013061, OMIM 612954.
Dilated cardiomyopathy 1HH (CMD1HH). Identifiers: Orphanet 154, MedGen C3151293, MONDO:0013479, OMIM 613881.
Cardiovascular phenotype. Identifiers: MedGen CN230736.

Allele frequency attached by ClinVar (database versions not stated): gnomAD exomes 0.00001; ExAC 0.00002.
gnomAD v4.1: 10 of 1,614,040 alleles (0.00062%); highest among the groups gnomAD compares: South Asian, 0.011%; no homozygotes.

Submissions (2):

Ambry Genetics
Classification: Uncertain significance for Cardiovascular phenotype. Last evaluated: 2024-10-04. Review status: criteria provided, single submitter. Criteria: Ambry Variant Classification Scheme 2023. Collection method: clinical testing. Allele origin: germline.

Labcorp Genetics (formerly Invitae), Labcorp
Classification: Uncertain significance for Dilated cardiomyopathy 1HH; Myofibrillar myopathy 6. Last evaluated: 2023-04-16. Review status: criteria provided, single submitter. Criteria: Invitae Variant Classification Sherloc (09022015). Collection method: clinical testing. Allele origin: germline.
Comment: This variant is present in population databases (rs528288616, gnomAD 0.02%). This sequence change replaces serine, which is neutral and polar, with glycine, which is neutral and non-polar, at codon 195 of the BAG3 protein (p.Ser195Gly). This variant has not been reported in the literature in individuals affected with BAG3-related conditions. In summary, the available evidence is currently insufficient to determine the role of this variant in disease. Therefore, it has been classified as a Variant of Uncertain Significance. Advanced modeling of protein sequence and biophysical properties (such as structural, functional, and spatial information, amino acid conservation, physicochemical variation, residue mobility, and thermodynamic stability) performed at Invitae indicates that this missense variant is not expected to disrupt BAG3 protein function.

NM_004281.4(BAG3):c.583A>G (p.Ser195Gly)

Gene: BAG3 (BAG cochaperone 3; plus strand). Cytogenetic location: 10q26.11.
Variant type: single nucleotide variant.
Coding change: c.583A>G on transcript NM_004281.4 (MANE Select); coding-DNA position 583, A replaced by G.
Protein change: p.Ser195Gly; replaces serine 195 with glycine.
Molecular consequence: missense variant.
Genome position (GRCh38, 1-based): chr10:119,672,330, A>G. VCF-style: chr10-119672330-A-G. GRCh37 (hg19) VCF-style: chr10-121431842-A-G.
Other names: short protein forms S195G.
Identifiers: ClinVar variation 2929485 (VCV002929485.2), dbSNP rs528288616, ClinGen allele CA5716371.
Genomic context (GRCh38, chr10:119,672,330, plus strand): 5'-GCTGCCTCTGACTGCTCATCCTCATCCTCCTCGGCCAGCCTGCCTTCCTCCGGCAGGAGC[A>G]GCCTGGGCAGTCACCAGCTCCCGCGGGGGTACATCTCCATTCCGGTGATACACGAGCAGA-3'
Protein context (NP_004272.2, residues 185-205): SASLPSSGRS[Ser195Gly]LGSHQLPRGY